The following is an entry in ClinVar:

ClinVar aggregate classification (germline): Uncertain significance. Review status: criteria provided, multiple submitters, no conflicts (2 of 4 stars). 2 submissions from 2 submitters: Uncertain significance (2). Last evaluated 2026-06-23.

Conditions:
Multiple congenital anomalies-hypotonia-seizures syndrome 1 (MCAHS1). Also called: PIGN-CDG; Congenital disorder of glycosylation due to PIGN deficiency; GLYCOSYLPHOSPHATIDYLINOSITOL BIOSYNTHESIS DEFECT 3. Identifiers: Orphanet 280633, MedGen C3279775, MONDO:0013563, OMIM 614080.

Allele frequency attached by ClinVar (database versions not stated): gnomAD exomes below 0.00001 and 0.00002; gnomAD 0.00001; TOPMed 0.00004; ExAC 0.00005.
gnomAD v4.1: 8 of 1,505,560 alleles (0.00053%); highest among the groups gnomAD compares: African/African-American, 0.0028%; no homozygotes.

Submissions (2):

GeneDx
Classification: Uncertain significance. Last evaluated: 2026-06-23. Review status: criteria provided, single submitter. Criteria: GeneDx Variant Classification Process June 2021. Collection method: clinical testing. Allele origin: germline.
Comment: Not observed at significant frequency in large population cohorts (gnomAD); In silico analysis supports that this missense variant does not alter protein structure/function; Has not been previously published as pathogenic or benign to our knowledge

Labcorp Genetics (formerly Invitae), Labcorp
Classification: Uncertain significance for Multiple congenital anomalies-hypotonia-seizures syndrome 1. Last evaluated: 2022-07-12. Review status: criteria provided, single submitter. Criteria: Invitae Variant Classification Sherloc (09022015). Collection method: clinical testing. Allele origin: germline.
Comment: This sequence change replaces valine, which is neutral and non-polar, with methionine, which is neutral and non-polar, at codon 417 of the PIGN protein (p.Val417Met). The frequency data for this variant in the population databases is considered unreliable, as metrics indicate poor data quality at this position in the gnomAD database. This variant has not been reported in the literature in individuals affected with PIGN-related conditions. ClinVar contains an entry for this variant (Variation ID: 1505045). Algorithms developed to predict the effect of missense changes on protein structure and function are either unavailable or do not agree on the potential impact of this missense change (SIFT: "Deleterious"; PolyPhen-2: "Benign"; Align-GVGD: "Class C0"). In summary, the available evidence is currently insufficient to determine the role of this variant in disease. Therefore, it has been classified as a Variant of Uncertain Significance.

NM_176787.5(PIGN):c.1249G>A (p.Val417Met)

Gene: PIGN (phosphatidylinositol glycan anchor biosynthesis class N; minus strand). Cytogenetic location: 18q21.33.
Variant type: single nucleotide variant.
Coding change: c.1249G>A on transcript NM_176787.5 (MANE Select); coding-DNA position 1249, G replaced by A.
Protein change: p.Val417Met; replaces valine 417 with methionine.
Molecular consequence: missense variant.
Genome position (GRCh38, 1-based): chr18:62,114,563, C>T on the plus strand (G>A on the coding strand, the complement: PIGN is on the minus strand). VCF-style: chr18-62114563-C-T. GRCh37 (hg19) VCF-style: chr18-59781796-C-T.
Other names: c.1249G>A, p.Val417Met (NM_012327.6); c.1249G>A (NM_176787.4); short protein forms V417M.
Identifiers: ClinVar variation 1505045 (VCV001505045.5), dbSNP rs762619265, ClinGen allele CA8982348.